The following is an entry in ClinVar:

ClinVar aggregate classification (germline): Uncertain significance (1 of 4 stars; one submission).

Conditions:
Congenital myasthenic syndrome 8. Also called: MYASTHENIC SYNDROME, CONGENITAL, DUE TO AGRIN DEFICIENCY; Myasthenic syndrome, congenital, 8, with pre- and postsynaptic defects. Identifiers: Orphanet 590, MedGen C3808739, MONDO:0014052, OMIM 615120.

gnomAD v4.1: 1 of 1,605,194 alleles (0.000062%); no homozygotes.

Submission:

Labcorp Genetics (formerly Invitae), Labcorp
Classification: Uncertain significance for Congenital myasthenic syndrome 8. Last evaluated: 2018-10-09. Review status: criteria provided, single submitter. Criteria: Invitae Variant Classification Sherloc (09022015). Collection method: clinical testing. Allele origin: germline.
Comment: This sequence change replaces arginine with serine at codon 1232 of the AGRN protein (p.Arg1232Ser). The arginine residue is weakly conserved and there is a moderate physicochemical difference between arginine and serine. This variant is not present in population databases (ExAC no frequency) and has not been reported in the literature in individuals with a AGRN-related disease. Algorithms developed to predict the effect of missense changes on protein structure and function do not agree on the potential impact of this missense change (SIFT: "Tolerated"; PolyPhen-2: "Possibly Damaging"; Align-GVGD: "Class C0"). In summary, this variant is a novel missense change with uncertain impact on protein function. It has been classified as a Variant of Uncertain Significance.

NM_198576.4(AGRN):c.3694C>A (p.Arg1232Ser)

Gene: AGRN (agrin; plus strand). Cytogenetic location: 1p36.33.
Variant type: single nucleotide variant.
Coding change: c.3694C>A on transcript NM_198576.4 (MANE Select); coding-DNA position 3694, C replaced by A.
Protein change: p.Arg1232Ser; replaces arginine 1232 with serine.
Molecular consequence: missense variant.
Genome position (GRCh38, 1-based): chr1:1,047,838, C>A. VCF-style: chr1-1047838-C-A. GRCh37 (hg19) VCF-style: chr1-983218-C-A.
Other names: c.3694C>A, p.Arg1232Ser (NM_001305275.2); c.3379C>A, p.Arg1127Ser (NM_001364727.2); short protein forms R1232S, R1127S.
Identifiers: ClinVar variation 474123 (VCV000474123.9), dbSNP rs777331097, ClinGen allele CA337851438.
Genomic context (GRCh38, chr1:1,047,838, plus strand): 5'-ACAGCCTTCAGGGCACCCGACGTGGCCCGGGCCCTGCTCCGGCAGATCCAGGTGTCCAGG[C>A]GCCGGTCCTTGGGGGTGAGGCGGCCGCTGCAGGAGCACGTGCGATTTATGGACTTTGGTG-3'
Protein context (NP_940978.2, residues 1222-1242): ALLRQIQVSR[Arg1232Ser]RSLGVRRPLQ